The following is an entry in ClinVar:

NM_000494.4(COL17A1):c.1282G>A (p.Gly428Ser)

Gene: COL17A1 (collagen type XVII alpha 1 chain; minus strand). Cytogenetic location: 10q25.1.
Variant type: single nucleotide variant.
Coding change: c.1282G>A on transcript NM_000494.4 (MANE Select); coding-DNA position 1282, G replaced by A.
Protein change: p.Gly428Ser; replaces glycine 428 with serine.
Molecular consequence: missense variant.
Genome position (GRCh38, 1-based): chr10:104,057,158, C>T on the plus strand (G>A on the coding strand, the complement: COL17A1 is on the minus strand). VCF-style: chr10-104057158-C-T. GRCh37 (hg19) VCF-style: chr10-105816916-C-T.
Other names: c.1282G>A, p.Gly428Ser (LRG_1249t1); short protein forms G428S.
Identifiers: ClinVar variation 256266 (VCV000256266.18), dbSNP rs805698, ClinGen allele CA5679079.
Genomic context (GRCh38, chr10:104,057,158, plus strand): 5'-GGCCGCCGCCAGCGCCACCAACACCGCCACCTCCTCCACTGCCACCACCACCACTGCTGC[C>T]GTAGCTGTGGATATCTGTGAAAGAGACAGGGAAAATGAAGCAAATGCAGGCAGCTCCTGC-3'
Protein context (NP_000485.3, residues 418-438): KTTTADIHSY[Gly428Ser]SSGGGGSGGG

ClinVar aggregate classification (germline): Benign. Review status: criteria provided, multiple submitters, no conflicts (2 of 4 stars). 7 submissions from 6 submitters: Benign (7). Last evaluated 2026-02-04.

Conditions:
Epithelial recurrent erosion dystrophy (ERED). Also called: CORNEAL EROSIONS, RECURRING HEREDITARY. Identifiers: Orphanet 293381, MedGen C1852551, MONDO:0007381, OMIM 122400.
Junctional epidermolysis bullosa, non-Herlitz type. Also called: Adult junctional epidermolysis bullosa; COL17A1-Related Junctional Epidermolysis Bullosa; Epidermolysis bullosa, junctional, non-herlitz type, somatic mosaic revertant; EPIDERMOLYSIS BULLOSA JUNCTIONALIS, DISENTIS TYPE; EPIDERMOLYSIS BULLOSA JUNCTIONALIS, NON-HERLITZ TYPE; EPIDERMOLYSIS BULLOSA JUNCTIONALIS, PROGRESSIVE. Identifiers: Orphanet 251393, Orphanet 79402, Orphanet 79405, Orphanet 89840, MedGen C0268374, MONDO:0009180, OMIM 226650.

Allele frequency attached by ClinVar (database versions not stated): 1000 Genomes Project 30x 0.80778; 1000 Genomes Project 0.81849; TOPMed 0.83948; ESP Exome Variant Server 0.84887; gnomAD 0.84905 and 0.85547; ExAC 0.93566; gnomAD exomes 0.93958 and 0.97471.
gnomAD v4.1: 1,553,379 of 1,613,840 alleles (96%); highest among the groups gnomAD compares: Non-Finnish European, 100%; 755,323 homozygotes.

Submissions (7):

Labcorp Genetics (formerly Invitae), Labcorp
Classification: Benign. Last evaluated: 2026-02-04. Review status: criteria provided, single submitter. Criteria: Invitae Variant Classification Sherloc (09022015). Collection method: clinical testing. Allele origin: germline.

Genome-Nilou Lab
Classification: Benign for Junctional epidermolysis bullosa, non-Herlitz type. Last evaluated: 2021-07-22. Review status: criteria provided, single submitter. Criteria: ACMG Guidelines, 2015. Collection method: clinical testing. Allele origin: germline. Affected: no.

Genome-Nilou Lab
Classification: Benign for Epithelial recurrent erosion dystrophy. Last evaluated: 2021-07-22. Review status: criteria provided, single submitter. Criteria: ACMG Guidelines, 2015. Collection method: clinical testing. Allele origin: germline. Affected: no.

Illumina Laboratory Services, Illumina
Classification: Benign for Junctional epidermolysis bullosa, non-Herlitz type. Last evaluated: 2018-01-13. Review status: criteria provided, single submitter. Criteria: ICSL Variant Classification Criteria 13 December 2019. Collection method: clinical testing. Allele origin: germline.
Comment: This variant was observed in the ICSL laboratory as part of a predisposition screen in an ostensibly healthy population. It had not been previously curated by ICSL or reported in the Human Gene Mutation Database (HGMD: prior to June 1st, 2018), and was therefore a candidate for classification through an automated scoring system. Utilizing variant allele frequency, disease prevalence and penetrance estimates, and inheritance mode, an automated score was calculated to assess if this variant is too frequent to cause the disease. Based on the score and internal cut-off values, a variant classified as benign is not then subjected to further curation. The score for this variant resulted in a classification of benign for this disease.

GeneDx
Classification: Benign. Last evaluated: 2015-03-03. Review status: criteria provided, single submitter. Criteria: GeneDx Variant Classification Process June 2021. Collection method: clinical testing. Allele origin: germline. Affected: yes.
Comment: This variant is associated with the following publications: (PMID: 24668667)

Breakthrough Genomics
Classification: Benign. Review status: criteria provided, single submitter. Criteria: ACMG Guidelines, 2015. Collection method: not provided. Allele origin: germline. Inheritance: Autosomal recessive inheritance. Affected: yes.

PreventionGenetics, part of Exact Sciences
Classification: Benign. Review status: criteria provided, single submitter. Criteria: ACMG Guidelines, 2015. Collection method: clinical testing. Allele origin: germline.